The following is an entry in ClinVar:

NM_177438.3(DICER1):c.3701A>G (p.Glu1234Gly)

Gene: DICER1 (dicer 1, ribonuclease III; minus strand). Cytogenetic location: 14q32.13.
Variant type: single nucleotide variant.
Coding change: c.3701A>G on transcript NM_177438.3 (MANE Select); coding-DNA position 3701, A replaced by G.
Protein change: p.Glu1234Gly; replaces glutamic acid 1234 with glycine.
Molecular consequence: missense variant. On other transcripts: non-coding transcript variant (6).
Genome position (GRCh38, 1-based): chr14:95,103,695, T>C on the plus strand (A>G on the coding strand, the complement: DICER1 is on the minus strand). VCF-style: chr14-95103695-T-C. GRCh37 (hg19) VCF-style: chr14-95570032-T-C.
Other names: c.3296A>G, p.Glu1099Gly (NM_001395696.1, NM_001395687.1, NM_001395688.1 and 2 more transcripts); c.2018A>G, p.Glu673Gly (NM_001395697.1); c.3701A>G, p.Glu1234Gly (NM_030621.4, NM_001395695.1, NM_001195573.1 and 12 more transcripts); c.3419A>G, p.Glu1140Gly (NM_001395686.1); c.3134A>G, p.Glu1045Gly (NM_001395691.1); short protein forms E1140G, E1045G, E673G, E1099G, E1234G.
Identifiers: ClinVar variation 3720162 (VCV003720162.2).

ClinVar aggregate classification (germline): Uncertain significance (1 of 4 stars; one submission).

Conditions:
DICER1-related tumor predisposition. Also called: DICER1 syndrome; DICER1-related pleuropulmonary blastoma cancer predisposition syndrome. Identifiers: Orphanet 284343, MedGen C3839822, MONDO:0100216.

Submission:

Labcorp Genetics (formerly Invitae), Labcorp
Classification: Uncertain significance for DICER1-related tumor predisposition. Last evaluated: 2024-10-16. Review status: criteria provided, single submitter. Criteria: Invitae Variant Classification Sherloc (09022015). Collection method: clinical testing. Allele origin: germline.
Comment: This sequence change replaces glutamic acid, which is acidic and polar, with glycine, which is neutral and non-polar, at codon 1234 of the DICER1 protein (p.Glu1234Gly). This variant is not present in population databases (gnomAD no frequency). This variant has not been reported in the literature in individuals affected with DICER1-related conditions. Invitae Evidence Modeling of protein sequence and biophysical properties (such as structural, functional, and spatial information, amino acid conservation, physicochemical variation, residue mobility, and thermodynamic stability) indicates that this missense variant is not expected to disrupt DICER1 protein function with a negative predictive value of 95%. In summary, the available evidence is currently insufficient to determine the role of this variant in disease. Therefore, it has been classified as a Variant of Uncertain Significance.